The following is an entry in ClinVar:

NM_001374828.1(ARID1B):c.3901C>T (p.Leu1301Phe)

Gene: ARID1B (AT-rich interaction domain 1B; plus strand). Cytogenetic location: 6q25.3.
Variant type: single nucleotide variant.
Coding change: c.3901C>T on transcript NM_001374828.1 (MANE Select); coding-DNA position 3901, C replaced by T.
Protein change: p.Leu1301Phe; replaces leucine 1301 with phenylalanine.
Molecular consequence: missense variant.
Genome position (GRCh38, 1-based): chr6:157,184,417, C>T. VCF-style: chr6-157184417-C-T. GRCh37 (hg19) VCF-style: chr6-157505551-C-T.
Other names: c.1402C>T, p.Leu468Phe (NM_001363725.2); c.3781C>T, p.Leu1261Phe (NM_001371656.1, NM_001374820.1); c.4030C>T, p.Leu1344Phe (NM_001438482.1); c.3943C>T, p.Leu1315Phe (NM_001438483.1); c.3811C>T, p.Leu1271Phe (NM_001438485.1); c.3784C>T, p.Leu1262Phe (NM_001438486.1); c.3721C>T, p.Leu1241Phe (NM_001438487.1); c.1243C>T, p.Leu415Phe (NM_001438488.1); and 1 more; short protein forms L1241F, L1248F, L1261F, L1262F, L1271F, L1301F, L1315F, L1344F.
Identifiers: ClinVar variation 4881160 (VCV004881160.2).

ClinVar aggregate classification (germline): Uncertain significance (1 of 4 stars; one submission).

Submission:

Dasa
Classification: Uncertain significance. Last evaluated: 2025-02-20. Review status: criteria provided, single submitter. Criteria: DASA Assertion Criteria. Collection method: clinical testing. Allele origin: germline.
Comment: NM_001374828.1(ARID1B):c.3901C>T (p.Leu1301Phe) is a missense variant that results in the substitution of leucine with phenylalanine. This variant is absent from population databases. Computational prediction algorithms are consistent with a benign effect. The currently available literature and clinical evidence are not sufficient to establish a definitive association between this variant and the reported condition. Therefore, this variant is classified as a variant of uncertain significance.